The following is an entry in ClinVar:

NM_030632.3(ASXL3):c.976+5A>G

Gene: ASXL3 (ASXL transcriptional regulator 3; plus strand). Cytogenetic location: 18q12.1.
Variant type: single nucleotide variant.
Coding change: c.976+5A>G on transcript NM_030632.3 (MANE Select); 5 bases into the intron after coding-DNA position 976, A replaced by G.
Molecular consequence: intron variant.
Genome position (GRCh38, 1-based): chr18:33,732,069, A>G. VCF-style: chr18-33732069-A-G. GRCh37 (hg19) VCF-style: chr18-31312033-A-G.
Identifiers: ClinVar variation 3350052 (VCV003350052.3).
Genomic context (GRCh38, chr18:33,732,069, plus strand): 5'-AAATAATGAATTCTTTGCATATGCAGCACAAGGGTGGAAACAGCGACTGGCAGAAGGTAA[A>G]TTTGTATTTTCTATTATTATGTGACATATTGGAGTACACATACCGTACTGAGCTTGTACC-3'

ClinVar aggregate classification (germline): Likely benign. Review status: criteria provided, single submitter (1 of 4 stars). 2 submissions from 2 submitters: Likely benign (1). 1 of the submissions does not count toward it. Last evaluated 2026-06-01.

Conditions:
ASXL3-related disorder. Also called: ASXL3-related condition. Identifiers: MedGen CN381524.

gnomAD v4.1: 161 of 1,608,614 alleles (0.01%); highest among the groups gnomAD compares: South Asian, 0.14%; 2 homozygotes.

Submissions (2):

CeGaT Center for Human Genetics Tuebingen
Classification: Likely benign. Last evaluated: 2026-06-01. Review status: criteria provided, single submitter. Criteria: CeGaT Center For Human Genetics Tuebingen Variant Classification Criteria Version 2. Collection method: clinical testing. Allele origin: germline. Affected: yes. Observed: 1 variant allele.
Comment: ASXL3: BP4, BS1

PreventionGenetics, part of Exact Sciences
Classification: Likely benign for ASXL3-related condition. Last evaluated: 2024-08-28. Review status: no assertion criteria provided. Collection method: clinical testing. Allele origin: germline. Not counted in ClinVar's aggregate classification.
Comment: This variant is classified as likely benign based on ACMG/AMP sequence variant interpretation guidelines (Richards et al. 2015 PMID: 25741868, with internal and published modifications).